The following is an entry in ClinVar:

ClinVar aggregate classification (germline): Uncertain significance. Review status: criteria provided, multiple submitters, no conflicts (2 of 4 stars). 4 submissions from 4 submitters: Uncertain significance (4). Last evaluated 2023-11-14.

Conditions:
Inborn genetic diseases. Identifiers: MedGen C0950123, MeSH D030342.

Allele frequency attached by ClinVar (database versions not stated): gnomAD exomes 0.00001 and 0.00003; gnomAD 0.00003 and 0.00005; ExAC 0.00004; TOPMed 0.00004.
gnomAD v4.1: 28 of 1,587,628 alleles (0.0018%); highest among the groups gnomAD compares: Middle Eastern, 0.05%; no homozygotes.

Submissions (4):

Ambry Genetics
Classification: Uncertain significance for Inborn genetic diseases. Last evaluated: 2023-11-14. Review status: criteria provided, single submitter. Criteria: Ambry Variant Classification Scheme 2023. Collection method: clinical testing. Allele origin: germline.

Labcorp Genetics (formerly Invitae), Labcorp
Classification: Uncertain significance. Last evaluated: 2023-04-24. Review status: criteria provided, single submitter. Criteria: Invitae Variant Classification Sherloc (09022015). Collection method: clinical testing. Allele origin: germline.
Comment: An algorithm developed to predict the effect of missense changes on protein structure and function (PolyPhen-2) suggests that this variant is likely to be disruptive. ClinVar contains an entry for this variant (Variation ID: 1425581). This variant has not been reported in the literature in individuals affected with CACNA2D4-related conditions. This variant is present in population databases (rs769083357, gnomAD 0.05%). This sequence change replaces arginine, which is basic and polar, with histidine, which is basic and polar, at codon 279 of the CACNA2D4 protein (p.Arg279His). In summary, the available evidence is currently insufficient to determine the role of this variant in disease. Therefore, it has been classified as a Variant of Uncertain Significance.

Blueprint Genetics
Classification: Uncertain significance. Last evaluated: 2021-08-13. Review status: criteria provided, single submitter. Criteria: ACMG Guidelines, 2015. Collection method: clinical testing. Allele origin: germline.

Breakthrough Genomics
Classification: Uncertain significance. Review status: criteria provided, single submitter. Criteria: ACMG Guidelines, 2015. Collection method: not provided. Allele origin: germline. Inheritance: Autosomal recessive inheritance. Affected: yes.

NM_172364.5(CACNA2D4):c.836G>A (p.Arg279His)

Gene: CACNA2D4 (calcium voltage-gated channel auxiliary subunit alpha2delta 4; minus strand). Cytogenetic location: 12p13.33.
Variant type: single nucleotide variant.
Coding change: c.836G>A on transcript NM_172364.5 (MANE Select); coding-DNA position 836, G replaced by A.
Protein change: p.Arg279His; replaces arginine 279 with histidine.
Molecular consequence: missense variant.
Genome position (GRCh38, 1-based): chr12:1,887,015, C>T on the plus strand (G>A on the coding strand, the complement: CACNA2D4 is on the minus strand). VCF-style: chr12-1887015-C-T. GRCh37 (hg19) VCF-style: chr12-1996181-C-T.
Other names: c.836G>A (NM_172364.4); short protein forms R279H.
Identifiers: ClinVar variation 1425581 (VCV001425581.11), dbSNP rs769083357, ClinGen allele CA6387400.
Genomic context (GRCh38, chr12:1,887,015, plus strand): 5'-AAAAGCTATGAGATAAATACCCGGGCCGCAAACCTTTCCCCTGTGAGCTCTTACCAGCCG[C>T]GGTTTCGGCAGTCAAAAGTAATGACTCCATTCTCATCAGGTGTCCATTTTATACCTGGGA-3'
Protein context (NP_758952.4, residues 269-289): NGVITFDCRN[Arg279His]GWYIQAATSP